The following is an entry in ClinVar:

NM_080680.3(COL11A2):c.3940C>T (p.Pro1314Ser)

Gene: COL11A2 (collagen type XI alpha 2 chain; minus strand). Cytogenetic location: 6p21.32.
Variant type: single nucleotide variant.
Coding change: c.3940C>T on transcript NM_080680.3 (MANE Select); coding-DNA position 3940, C replaced by T.
Protein change: p.Pro1314Ser; replaces proline 1314 with serine.
Molecular consequence: missense variant.
Genome position (GRCh38, 1-based): chr6:33,168,539, G>A on the plus strand (C>T on the coding strand, the complement: COL11A2 is on the minus strand). VCF-style: chr6-33168539-G-A. GRCh37 (hg19) VCF-style: chr6-33136316-G-A.
Other names: c.3619C>T, p.Pro1207Ser (NM_080679.3); c.3682C>T, p.Pro1228Ser (NM_080681.3); short protein forms P1207S, P1228S, P1314S.
Identifiers: ClinVar variation 1017191 (VCV001017191.9), dbSNP rs1480175398, ClinGen allele CA363624614.

ClinVar aggregate classification (germline): Uncertain significance (1 of 4 stars; one submission).

Submission:

Labcorp Genetics (formerly Invitae), Labcorp
Classification: Uncertain significance. Last evaluated: 2024-12-16. Review status: criteria provided, single submitter. Criteria: Invitae Variant Classification Sherloc (09022015). Collection method: clinical testing. Allele origin: germline.
Comment: This sequence change replaces proline, which is neutral and non-polar, with serine, which is neutral and polar, at codon 1314 of the COL11A2 protein (p.Pro1314Ser). This variant is not present in population databases (gnomAD no frequency). This variant has not been reported in the literature in individuals affected with COL11A2-related conditions. ClinVar contains an entry for this variant (Variation ID: 1017191). Invitae Evidence Modeling of protein sequence and biophysical properties (such as structural, functional, and spatial information, amino acid conservation, physicochemical variation, residue mobility, and thermodynamic stability) indicates that this missense variant is not expected to disrupt COL11A2 protein function with a negative predictive value of 95%. In summary, the available evidence is currently insufficient to determine the role of this variant in disease. Therefore, it has been classified as a Variant of Uncertain Significance.